The following is an entry in ClinVar:

ClinVar aggregate classification (germline): Uncertain significance (1 of 4 stars; one submission).

Conditions:
Brugada syndrome 8 (BRGDA8). Identifiers: Orphanet 130, MedGen C2751083, MONDO:0013148, OMIM 613123.

Submission:

Labcorp Genetics (formerly Invitae), Labcorp
Classification: Uncertain significance for Brugada syndrome 8. Last evaluated: 2025-12-02. Review status: criteria provided, single submitter. Criteria: Invitae Variant Classification Sherloc (09022015). Collection method: clinical testing. Allele origin: germline.
Comment: This sequence change replaces glycine, which is neutral and non-polar, with alanine, which is neutral and non-polar, at codon 1012 of the HCN4 protein (p.Gly1012Ala). This variant is present in population databases (rs756390842, gnomAD 0.007%). This variant has not been reported in the literature in individuals affected with HCN4-related conditions. Invitae Evidence Modeling of protein sequence and biophysical properties (such as structural, functional, and spatial information, amino acid conservation, physicochemical variation, residue mobility, and thermodynamic stability) indicates that this missense variant is not expected to disrupt HCN4 protein function with a negative predictive value of 95%. In summary, the available evidence is currently insufficient to determine the role of this variant in disease. Therefore, it has been classified as a Variant of Uncertain Significance.

NM_005477.3(HCN4):c.3035G>C (p.Gly1012Ala)

Gene: HCN4 (hyperpolarization activated cyclic nucleotide gated potassium channel 4; minus strand). Cytogenetic location: 15q24.1.
Variant type: single nucleotide variant.
Coding change: c.3035G>C on transcript NM_005477.3 (MANE Select); coding-DNA position 3035, G replaced by C.
Protein change: p.Gly1012Ala; replaces glycine 1012 with alanine.
Molecular consequence: missense variant.
Genome position (GRCh38, 1-based): chr15:73,323,058, C>G on the plus strand (G>C on the coding strand, the complement: HCN4 is on the minus strand). VCF-style: chr15-73323058-C-G. GRCh37 (hg19) VCF-style: chr15-73615399-C-G.
Other names: short protein forms G1012A.
Identifiers: ClinVar variation 4745010 (VCV004745010.1).